The following is an entry in ClinVar:

NM_002816.5(PSMD12):c.1328C>T (p.Thr443Met)

Gene: PSMD12 (proteasome 26S subunit, non-ATPase 12; minus strand). Cytogenetic location: 17q24.2.
Variant type: single nucleotide variant.
Coding change: c.1328C>T on transcript NM_002816.5 (MANE Select); coding-DNA position 1328, C replaced by T.
Protein change: p.Thr443Met; replaces threonine 443 with methionine.
Molecular consequence: missense variant.
Genome position (GRCh38, 1-based): chr17:67,340,886, G>A on the plus strand (C>T on the coding strand, the complement: PSMD12 is on the minus strand). VCF-style: chr17-67340886-G-A. GRCh37 (hg19) VCF-style: chr17-65337002-G-A.
Other names: c.1151C>T, p.Thr384Met (NM_001316341.2); c.1268C>T, p.Thr423Met (NM_174871.4); c.1328C>T (NM_002816.3); short protein forms T384M, T423M, T443M.
Identifiers: ClinVar variation 3255045 (VCV003255045.3), dbSNP rs2041907889.

ClinVar aggregate classification (germline): Uncertain significance. Review status: criteria provided, multiple submitters, no conflicts (2 of 4 stars). 2 submissions from 2 submitters: Uncertain significance (2). Last evaluated 2025-02-18.

Conditions:
Stankiewicz-Isidor syndrome (STISS). Identifiers: MedGen C4479599, MONDO:0054591, OMIM 617516.
Inborn genetic diseases. Identifiers: MedGen C0950123, MeSH D030342.

Allele frequency attached by ClinVar (database versions not stated): gnomAD exomes 0.00001.
gnomAD v4.1: 17 of 1,592,672 alleles (0.0011%); highest among the groups gnomAD compares: Non-Finnish European, 0.0014%; no homozygotes.

Submissions (2):

Ambry Genetics
Classification: Uncertain significance for Inborn genetic diseases. Last evaluated: 2025-02-18. Review status: criteria provided, single submitter. Criteria: Ambry Variant Classification Scheme 2023. Collection method: clinical testing. Allele origin: germline.

Victorian Clinical Genetics Services, Murdoch Childrens Research Institute
Classification: Uncertain significance for Stankiewicz-Isidor syndrome. Last evaluated: 2024-09-20. Review status: criteria provided, single submitter. Criteria: ACMG Guidelines, 2015. Collection method: clinical testing. Allele origin: germline. Inheritance: Autosomal dominant inheritance. Affected: yes.
Comment: Based on the classification scheme VCGS_Germline_v1.3.4, this variant is classified as VUS-3B. Following criteria are met: 0102 - Loss of function is a known mechanism of disease in this gene and is associated with Stankiewicz-Isidor syndrome (MIM#617516). (I) 0107 - This gene is associated with autosomal dominant disease. (I) 0115 - Variants in this gene are known to have variable expressivity (OMIM). (I) 0200 - Variant is predicted to result in a missense amino acid change from threonine to methionine. (I) 0251 - This variant is heterozygous. (I) 0301 - Variant is absent from gnomAD (both v2 and v3). (SP) 0309 - An alternative amino acid change at the same position has been observed in gnomAD (v2) (1 heterozygote, 0 homozygotes). (I) 0502 - Missense variant with conflicting in silico predictions and uninformative conservation. (I) 0600 - Variant is located in the annotated RPN5_C domain (DECIPHER). (I) 0705 - No comparable missense variants have previous evidence for pathogenicity. (I) 0807 - This variant has no previous evidence of pathogenicity. (I) 0905 - No published segregation evidence has been identified for this variant. (I) 1007 - No published functional evidence has been identified for this variant. (I) Legend: (SP) - Supporting pathogenic, (I) - Information, (SB) - Supporting benign